The following is an entry in ClinVar:

ClinVar aggregate classification (germline): Uncertain significance. Review status: criteria provided, multiple submitters, no conflicts (2 of 4 stars). 3 submissions from 3 submitters: Uncertain significance (3). Last evaluated 2026-10-01.

Conditions:
POLD1-related polyposis and colorectal cancer syndrome (CRCS10). Also called: Colorectal cancer 10; Colorectal cancer, susceptibility to, 10; COLORECTAL CANCER, SUSCEPTIBILITY TO, ON CHROMOSOME 19q. Identifiers: Orphanet 220460, MedGen C2675481, MONDO:0012953, OMIM 612591.
Hereditary cancer-predisposing syndrome. Also called: Neoplastic Syndromes, Hereditary; Hereditary neoplastic syndrome; Tumor predisposition; Hereditary Cancer Syndrome. Identifiers: Orphanet 140162, MedGen C0027672, MeSH D009386, MONDO:0015356.

gnomAD v4.1: 2 of 1,598,926 alleles (0.00013%); highest among the groups gnomAD compares: African/African-American, 0.0027%; no homozygotes.

Submissions (3):

St. Jude Molecular Pathology, St. Jude Children's Research Hospital
Classification: Uncertain significance for POLD1-related polyposis and colorectal cancer syndrome. Last evaluated: 2026-10-01. Review status: criteria provided, single submitter. Criteria: St. Jude Assertion Criteria 2020. Collection method: clinical testing. Allele origin: germline.
Comment: The POLD1 c.934G>T p.(Val312Leu) missense cha nge has a maximum subpopulation frequency of 0.01% in gnomAD v2.1.1. The in silico tool REVEL predicts a benign effect on protein function, but to our knowledge this prediction has not been confirmed by functional stu dies. To our knowledge, this variant has not been reported in individuals with POLD1-related disease. In summary, the evidence currently available is insufficient to determine the clinical significance of this variant. It has therefore been classified as of uncertain significance.

Labcorp Genetics (formerly Invitae), Labcorp
Classification: Uncertain significance for POLD1-related polyposis and colorectal cancer syndrome. Last evaluated: 2025-10-07. Review status: criteria provided, single submitter. Criteria: Invitae Variant Classification Sherloc (09022015). Collection method: clinical testing. Allele origin: germline.
Comment: This sequence change replaces valine, which is neutral and non-polar, with leucine, which is neutral and non-polar, at codon 312 of the POLD1 protein (p.Val312Leu). This variant is present in population databases (no rsID available, gnomAD 0.01%). This variant has not been reported in the literature in individuals affected with POLD1-related conditions. ClinVar contains an entry for this variant (Variation ID: 1054634). Invitae Evidence Modeling of protein sequence and biophysical properties (such as structural, functional, and spatial information, amino acid conservation, physicochemical variation, residue mobility, and thermodynamic stability) indicates that this missense variant is not expected to disrupt POLD1 protein function with a negative predictive value of 80%. In summary, the available evidence is currently insufficient to determine the role of this variant in disease. Therefore, it has been classified as a Variant of Uncertain Significance.

Ambry Genetics
Classification: Uncertain significance for Hereditary cancer-predisposing syndrome. Last evaluated: 2024-01-16. Review status: criteria provided, single submitter. Criteria: Ambry Variant Classification Scheme 2023. Collection method: clinical testing. Allele origin: germline.
Comment: The p.V312L variant (also known as c.934G>T), located in coding exon 7 of the POLD1 gene, results from a G to T substitution at nucleotide position 934. The valine at codon 312 is replaced by leucine, an amino acid with highly similar properties. This amino acid position is well conserved in available vertebrate species. In addition, the in silico prediction for this alteration is inconclusive. Since supporting evidence is limited at this time, the clinical significance of this alteration remains unclear.

NM_002691.4(POLD1):c.934G>T (p.Val312Leu)

Gene: POLD1 (DNA polymerase delta 1, catalytic subunit; plus strand). Cytogenetic location: 19q13.33.
Variant type: single nucleotide variant.
Coding change: c.934G>T on transcript NM_002691.4 (MANE Select); coding-DNA position 934, G replaced by T.
Protein change: p.Val312Leu; replaces valine 312 with leucine.
Molecular consequence: missense variant. On other transcripts: non-coding transcript variant (1).
Genome position (GRCh38, 1-based): chr19:50,402,705, G>T. VCF-style: chr19-50402705-G-T. GRCh37 (hg19) VCF-style: chr19-50905962-G-T.
Other names: c.934G>T, p.Val312Leu (NM_001256849.1, NM_001308632.1); c.934G>T (NM_002691.2); short protein forms V312L.
Identifiers: ClinVar variation 1054634 (VCV001054634.10), dbSNP rs371612922, ClinGen allele CA406977244.